The following is an entry in ClinVar:

NM_000264.5(PTCH1):c.3497_3498del (p.Asn1166fs)

Gene: PTCH1 (patched 1; minus strand). Cytogenetic location: 9q22.32.
Variant type: Deletion.
Coding change: c.3497_3498del on transcript NM_000264.5 (MANE Select); coding-DNA positions 3497 to 3498, 2 bases deleted (AT; older notation c.3497_3498delAT).
Protein change: p.Asn1166fs; shifts the reading frame from asparagine 1166.
Molecular consequence: frameshift variant. On other transcripts: non-coding transcript variant (1).
Genome position (GRCh38, 1-based): chr9:95,449,892-95,449,893, AT deleted on the plus strand (AT on the coding strand, the reverse complement: PTCH1 is on the minus strand). VCF-style (leftmost placement, unchanged base first): chr9-95449891-CAT-C. GRCh37 (hg19) VCF-style: chr9-98212173-CAT-C.
Other names: c.3299_3300del, p.Asn1100fs (NM_001083602.3); c.3494_3495del, p.Asn1165fs (NM_001083603.3); c.3044_3045del, p.Asn1015fs (NM_001083604.3, NM_001083605.3, NM_001083606.3 and 1 more transcripts); c.3341_3342del, p.Asn1114fs (NM_001354918.2); short protein forms N1015fs, N1100fs, N1114fs, N1165fs, N1166fs.
Identifiers: ClinVar variation 1421296 (VCV001421296.6), dbSNP rs2136607887, ClinGen allele CA2573144864.

ClinVar aggregate classification (germline): Pathogenic (1 of 4 stars; one submission).

Conditions:
Gorlin syndrome. Also called: Nevoid Basal Cell Carcinoma Syndrome; Basal cell nevus syndrome. Identifiers: Orphanet 377, MedGen C0004779, MONDO:0007187.

Submission:

Labcorp Genetics (formerly Invitae), Labcorp
Classification: Pathogenic for Gorlin syndrome. Last evaluated: 2021-06-15. Review status: criteria provided, single submitter. Criteria: Invitae Variant Classification Sherloc (09022015). Collection method: clinical testing. Allele origin: germline.
Comment: For these reasons, this variant has been classified as Pathogenic. Algorithms developed to predict the effect of sequence changes on RNA splicing suggest that this variant may create or strengthen a splice site, but this prediction has not been confirmed by published transcriptional studies. This variant has not been reported in the literature in individuals with PTCH1-related conditions. This variant is not present in population databases (ExAC no frequency). This sequence change creates a premature translational stop signal (p.Asn1166Argfs*17) in the PTCH1 gene. It is expected to result in an absent or disrupted protein product. Loss-of-function variants in PTCH1 are known to be pathogenic (PMID: 16301862, 16419085).

Literature cited by the submitters: PubMed 16301862; PubMed 16419085.